The following is an entry in ClinVar:

ClinVar aggregate classification (germline): Uncertain significance (1 of 4 stars; one submission).

Conditions:
Neurofibromatosis, type 1 (NF1). Also called: Peripheral type neurofibromatosis; Neurofibromatosis, type I; NEUROFIBROMATOSIS, TYPE I, SOMATIC; VON RECKLINGHAUSEN DISEASE. Identifiers: Orphanet 636, MedGen C0027831, MONDO:0018975, OMIM 162200. Disease mechanism: loss of function.

Submission:

Labcorp Genetics (formerly Invitae), Labcorp
Classification: Uncertain significance for Neurofibromatosis, type 1. Last evaluated: 2021-05-26. Review status: criteria provided, single submitter. Criteria: Invitae Variant Classification Sherloc (09022015). Collection method: clinical testing. Allele origin: germline.
Comment: In summary, the available evidence is currently insufficient to determine the role of this variant in disease. Therefore, it has been classified as a Variant of Uncertain Significance. Advanced modeling of protein sequence and biophysical properties (such as structural, functional, and spatial information, amino acid conservation, physicochemical variation, residue mobility, and thermodynamic stability) performed at Invitae indicates that this missense variant is not expected to disrupt NF1 protein function. This variant has not been reported in the literature in individuals with NF1-related conditions. This variant is not present in population databases (ExAC no frequency). This sequence change replaces lysine with threonine at codon 2468 of the NF1 protein (p.Lys2468Thr). The lysine residue is moderately conserved and there is a moderate physicochemical difference between lysine and threonine.

NM_001042492.3(NF1):c.7466A>C (p.Lys2489Thr)

Gene: NF1 (neurofibromin 1; plus strand). Cytogenetic location: 17q11.2.
Variant type: single nucleotide variant.
Coding change: c.7466A>C on transcript NM_001042492.3 (MANE Select); coding-DNA position 7466, A replaced by C.
Protein change: p.Lys2489Thr; replaces lysine 2489 with threonine.
Molecular consequence: missense variant.
Genome position (GRCh38, 1-based): chr17:31,352,265, A>C. VCF-style: chr17-31352265-A-C. GRCh37 (hg19) VCF-style: chr17-29679283-A-C.
Other names: c.7403A>C, p.Lys2468Thr (NM_000267.4); short protein forms K2468T, K2489T.
Identifiers: ClinVar variation 1370525 (VCV001370525.8), dbSNP rs864622249, ClinGen allele CA399017415.